The following is an entry in ClinVar:

ClinVar aggregate classification (germline): Uncertain significance (1 of 4 stars; one submission).

Conditions:
Inborn genetic diseases. Identifiers: MedGen C0950123, MeSH D030342.

gnomAD v4.1: 2 of 1,613,186 alleles (0.00012%); highest among the groups gnomAD compares: South Asian, 0.0011%; no homozygotes.

Submission:

Ambry Genetics
Classification: Uncertain significance for Inborn genetic diseases. Last evaluated: 2025-05-16. Review status: criteria provided, single submitter. Criteria: Ambry Variant Classification Scheme 2023. Collection method: clinical testing. Allele origin: germline.
Comment: The p.K155N variant (also known as c.465G>C), located in coding exon 4 of the CEP57 gene, results from a G to C substitution at nucleotide position 465. The lysine at codon 155 is replaced by asparagine, an amino acid with similar properties. This amino acid position is conserved. In addition, this alteration is predicted to be tolerated by in silico analysis. Based on the available evidence, the clinical significance of this variant remains unclear.

NM_014679.5(CEP57):c.465G>C (p.Lys155Asn)

Gene: CEP57 (centrosomal protein 57; plus strand). Cytogenetic location: 11q21.
Variant type: single nucleotide variant.
Coding change: c.465G>C on transcript NM_014679.5 (MANE Select); coding-DNA position 465, G replaced by C.
Protein change: p.Lys155Asn; replaces lysine 155 with asparagine.
Molecular consequence: missense variant.
Genome position (GRCh38, 1-based): chr11:95,813,550, G>C. VCF-style: chr11-95813550-G-C. GRCh37 (hg19) VCF-style: chr11-95546714-G-C.
Other names: c.438G>C, p.Lys146Asn (NM_001243776.2); c.465G>C, p.Lys155Asn (NM_001243777.2); c.384G>C, p.Lys128Asn (NM_001363604.2); short protein forms K128N, K155N, K146N.
Identifiers: ClinVar variation 4001048 (VCV004001048.1).